The following is an entry in ClinVar:

NM_001384474.1(LOXHD1):c.3162G>A (p.Thr1054=)

Gene: LOXHD1 (lipoxygenase homology PLAT domains 1; minus strand). Cytogenetic location: 18q21.1.
Variant type: single nucleotide variant.
Coding change: c.3162G>A on transcript NM_001384474.1 (MANE Select); coding-DNA position 3162, G replaced by A.
Protein change: p.Thr1054=; no amino-acid change (threonine 1054 retained).
Molecular consequence: synonymous variant.
Genome position (GRCh38, 1-based): chr18:46,559,502, C>T on the plus strand (G>A on the coding strand, the complement: LOXHD1 is on the minus strand). VCF-style: chr18-46559502-C-T. GRCh37 (hg19) VCF-style: chr18-44139465-C-T.
Other names: c.3162G>A, p.Thr1054= (NM_144612.7).
Identifiers: ClinVar variation 163917 (VCV000163917.17), dbSNP rs727503144, ClinGen allele CA176638.
Genomic context (GRCh38, chr18:46,559,502, plus strand): 5'-CCCTACCTGCCCCTGCTCAAATTTGTTGGACTTGTCTGACTTCTTCAGGGGTCGTTCGCC[C>T]GTGTCTCCATACTCCTCGCCGTAGATGGTTAGGTAGACGTTAGCATCAGTGCCGGCCTTG-3'
Protein context (NP_001371403.1, residues 1044-1064): LTIYGEEYGD[Thr1054=]GERPLKKSDK

ClinVar aggregate classification (germline): Likely benign. Review status: criteria provided, multiple submitters, no conflicts (2 of 4 stars). 5 submissions from 5 submitters: Likely benign (4). 1 of the submissions does not count toward it. Last evaluated 2024-07-18.

Conditions:
Autosomal recessive nonsyndromic hearing loss 77. Identifiers: Orphanet 90636, MedGen C2746083, MONDO:0013119, OMIM 613079.

Allele frequency attached by ClinVar (database versions not stated): TOPMed 0.00001; gnomAD exomes 0.00003; ExAC 0.00004.
gnomAD v4.1: 38 of 1,552,076 alleles (0.0024%); highest among the groups gnomAD compares: Middle Eastern, 0.017%; no homozygotes.

Submissions (5):

Blueprint Genetics
Classification: Likely benign. Last evaluated: 2024-07-18. Review status: criteria provided, single submitter. Criteria: ACMG Guidelines, 2015. Collection method: clinical testing. Allele origin: germline.

Labcorp Genetics (formerly Invitae), Labcorp
Classification: Likely benign. Last evaluated: 2024-02-25. Review status: criteria provided, single submitter. Criteria: Invitae Variant Classification Sherloc (09022015). Collection method: clinical testing. Allele origin: germline.

Laboratory for Molecular Medicine, Mass General Brigham Personalized Medicine
Classification: Likely benign. Last evaluated: 2014-06-05. Review status: criteria provided, single submitter. Criteria: LMM Criteria. Collection method: clinical testing. Allele origin: germline. Observed: 1 variant allele.
Comment: Thr1054Thr in exon 20 of LOXHD1: This variant is not expected to have clinical s ignificance because it does not alter an amino acid residue and is not located w ithin the splice consensus sequence.

Breakthrough Genomics
Classification: Likely benign. Review status: criteria provided, single submitter. Criteria: ACMG Guidelines, 2015. Collection method: not provided. Allele origin: germline. Inheritance: Autosomal recessive inheritance. Affected: yes.

Counsyl
Classification: Likely benign for Autosomal recessive nonsyndromic hearing loss 77. Last evaluated: 2017-06-29. Review status: no assertion criteria provided. Collection method: clinical testing. Allele origin: unknown. Not counted in ClinVar's aggregate classification.